The following is an entry in ClinVar:

ClinVar aggregate classification (germline): Likely benign. Review status: criteria provided, single submitter (1 of 4 stars). 3 submissions from 3 submitters: Likely benign (1). 2 of the submissions do not count toward it. Last evaluated 2025-08-01.

Conditions:
BMP6-related disorder. Also called: BMP6-related condition.
Iron overload, susceptibility to (IO). Identifiers: MedGen C5703292, MONDO:0859316, OMIM 620121.

Allele frequency attached by ClinVar (database versions not stated): ESP Exome Variant Server 0.00166; 1000 Genomes Project 0.00180; 1000 Genomes Project 30x 0.00203; gnomAD 0.00409; TOPMed 0.00442; ExAC 0.00456; gnomAD exomes 0.00620.
gnomAD v4.1: 9,551 of 1,606,568 alleles (0.59%); highest among the groups gnomAD compares: Non-Finnish European, 0.74%; 39 homozygotes.

Submissions (3):

CeGaT Center for Human Genetics Tuebingen
Classification: Likely benign. Last evaluated: 2025-08-01. Review status: criteria provided, single submitter. Criteria: CeGaT Center For Human Genetics Tuebingen Variant Classification Criteria Version 2. Collection method: clinical testing. Allele origin: germline. Affected: yes. Observed: 5 variant alleles.
Comment: BMP6: BS2

PreventionGenetics, part of Exact Sciences
Classification: Benign for BMP6-related condition. Last evaluated: 2024-05-30. Review status: no assertion criteria provided. Collection method: clinical testing. Allele origin: germline. Not counted in ClinVar's aggregate classification.
Comment: This variant is classified as benign based on ACMG/AMP sequence variant interpretation guidelines (Richards et al. 2015 PMID: 25741868, with internal and published modifications).

OMIM
Classification: risk factor for IRON OVERLOAD, SUSCEPTIBILITY TO. Last evaluated: 2022-11-28. Review status: no assertion criteria provided. Collection method: literature only. Allele origin: germline. Not counted in ClinVar's aggregate classification.

Literature cited by the submitters: PubMed 26582087 (cited by OMIM); PubMed 28335084 (cited by OMIM).

NM_001718.6(BMP6):c.287T>C (p.Leu96Pro)

Gene: BMP6 (bone morphogenetic protein 6; plus strand). Cytogenetic location: 6p24.3.
Variant type: single nucleotide variant.
Coding change: c.287T>C on transcript NM_001718.6 (MANE Select); coding-DNA position 287, T replaced by C.
Protein change: p.Leu96Pro; replaces leucine 96 with proline.
Molecular consequence: missense variant.
Genome position (GRCh38, 1-based): chr6:7,727,242, T>C. VCF-style: chr6-7727242-T-C. GRCh37 (hg19) VCF-style: chr6-7727475-T-C.
Other names: BMP6, LEU96PRO (rs200573175); L96P; c.287T>C (NM_001718.5).
Identifiers: ClinVar variation 1801215 (VCV001801215.25), dbSNP rs200573175, ClinGen allele CA3628505.
Genomic context (GRCh38, chr6:7,727,242, plus strand): 5'-AGCGGGAGATGCAGAAGGAGATCTTGTCGGTGCTGGGGCTCCCGCACCGGCCCCGGCCCC[T>C]GCACGGCCTCCAACAGCCGCAGCCCCCGGCGCTCCGGCAGCAGGAGGAGCAGCAGCAGCA-3'
Protein context (NP_001709.1, residues 86-106): VLGLPHRPRP[Leu96Pro]HGLQQPQPPA